The following is an entry in ClinVar:

ClinVar aggregate classification (germline): Uncertain significance (1 of 4 stars; one submission).

Conditions:
Granulomatous disease, chronic, autosomal recessive, cytochrome b-positive, type 2. Also called: Chronic Granulomatous Disease, Autosomal Recessive, Cytochrome b-Positive, Type II; CGD, AUTOSOMAL RECESSIVE CYTOCHROME b-POSITIVE, TYPE II; GRANULOMATOUS DISEASE, CHRONIC, DUE TO NCF2 DEFICIENCY; GRANULOMATOUS DISEASE, CHRONIC, AUTOSOMAL RECESSIVE, 2; Chronic granulomatous disease due to deficiency of NCF-2. Identifiers: Orphanet 379, MedGen C1856245, MONDO:0009310, OMIM 233710.

Allele frequency attached by ClinVar (database versions not stated): gnomAD exomes below 0.00001.
gnomAD v4.1: 2 of 1,614,160 alleles (0.00012%); highest among the groups gnomAD compares: Non-Finnish European, 0.00017%; no homozygotes.

Submission:

Labcorp Genetics (formerly Invitae), Labcorp
Classification: Uncertain significance for Granulomatous disease, chronic, autosomal recessive, cytochrome b-positive, type 2. Last evaluated: 2021-07-24. Review status: criteria provided, single submitter. Criteria: Invitae Variant Classification Sherloc (09022015). Collection method: clinical testing. Allele origin: germline.
Comment: In summary, the available evidence is currently insufficient to determine the role of this variant in disease. Therefore, it has been classified as a Variant of Uncertain Significance. Algorithms developed to predict the effect of missense changes on protein structure and function are either unavailable or do not agree on the potential impact of this missense change (SIFT: "Tolerated"; PolyPhen-2: "Possibly Damaging"; Align-GVGD: "Class C0"). This variant has not been reported in the literature in individuals affected with NCF2-related conditions. This variant is not present in population databases (ExAC no frequency). This sequence change replaces alanine with serine at codon 71 of the NCF2 protein (p.Ala71Ser). The alanine residue is highly conserved and there is a moderate physicochemical difference between alanine and serine.

NM_000433.4(NCF2):c.211G>T (p.Ala71Ser)

Gene: NCF2 (neutrophil cytosolic factor 2; minus strand). Cytogenetic location: 1q25.3.
Variant type: single nucleotide variant.
Coding change: c.211G>T on transcript NM_000433.4 (MANE Select); coding-DNA position 211, G replaced by T.
Protein change: p.Ala71Ser; replaces alanine 71 with serine.
Molecular consequence: missense variant.
Genome position (GRCh38, 1-based): chr1:183,586,941, C>A on the plus strand (G>T on the coding strand, the complement: NCF2 is on the minus strand). VCF-style: chr1-183586941-C-A. GRCh37 (hg19) VCF-style: chr1-183556076-C-A.
Other names: c.211G>T, p.Ala71Ser (NM_001127651.3, NM_001190789.2, NM_001190794.2); short protein forms A71S.
Identifiers: ClinVar variation 1448982 (VCV001448982.8), dbSNP rs2102934403, ClinGen allele CA343683320.